The following is an entry in ClinVar:

ClinVar aggregate classification (germline): Conflicting classifications of pathogenicity. Review status: criteria provided, conflicting classifications (1 of 4 stars). 3 submissions from 3 submitters: Uncertain significance (1); Likely benign (2). Last evaluated 2026-07-30.

Conditions:
Inborn genetic diseases. Identifiers: MedGen C0950123, MeSH D030342.
Cornelia de Lange syndrome 1 (CDLS1). Also called: Brachmann de Lange syndrome; NIPBL-Related Cornelia de Lange Syndrome; TYPUS DEGENERATIVUS AMSTELODAMENSIS. Identifiers: Orphanet 199, MedGen C4551851, MONDO:0007387, OMIM 122470.

Allele frequency attached by ClinVar (database versions not stated): gnomAD exomes 0.00003.
gnomAD v4.1: 38 of 1,613,570 alleles (0.0024%); highest among the groups gnomAD compares: Middle Eastern, 0.033%; no homozygotes.

Submissions (3):

Ambry Genetics
Classification: Likely benign for Inborn genetic diseases. Last evaluated: 2026-07-30. Review status: criteria provided, single submitter. Criteria: Ambry Variant Classification Scheme 2023. Collection method: clinical testing. Allele origin: germline.

Labcorp Genetics (formerly Invitae), Labcorp
Classification: Uncertain significance for Cornelia de Lange syndrome 1. Last evaluated: 2025-10-13. Review status: criteria provided, single submitter. Criteria: Invitae Variant Classification Sherloc (09022015). Collection method: clinical testing. Allele origin: germline.
Comment: This sequence change replaces arginine, which is basic and polar, with glutamine, which is neutral and polar, at codon 710 of the NIPBL protein (p.Arg710Gln). This variant is present in population databases (no rsID available, gnomAD 0.01%). This variant has not been reported in the literature in individuals affected with NIPBL-related conditions. ClinVar contains an entry for this variant (Variation ID: 2916216). Invitae Evidence Modeling of protein sequence and biophysical properties (such as structural, functional, and spatial information, amino acid conservation, physicochemical variation, residue mobility, and thermodynamic stability) has been performed for this missense variant. However, the output from this modeling did not meet the statistical confidence thresholds required to predict the impact of this variant on NIPBL protein function. In summary, the available evidence is currently insufficient to determine the role of this variant in disease. Therefore, it has been classified as a Variant of Uncertain Significance.

CeGaT Center for Human Genetics Tuebingen
Classification: Likely benign. Last evaluated: 2025-06-01. Review status: criteria provided, single submitter. Criteria: CeGaT Center For Human Genetics Tuebingen Variant Classification Criteria Version 2. Collection method: clinical testing. Allele origin: germline. Affected: yes. Observed: 1 variant allele.
Comment: NIPBL: BS2

NM_133433.4(NIPBL):c.2129G>A (p.Arg710Gln)

Gene: NIPBL (NIPBL cohesin loading factor; plus strand). Cytogenetic location: 5p13.2.
Variant type: single nucleotide variant.
Coding change: c.2129G>A on transcript NM_133433.4 (MANE Select); coding-DNA position 2129, G replaced by A.
Protein change: p.Arg710Gln; replaces arginine 710 with glutamine.
Molecular consequence: missense variant.
Genome position (GRCh38, 1-based): chr5:36,985,309, G>A. VCF-style: chr5-36985309-G-A. GRCh37 (hg19) VCF-style: chr5-36985411-G-A.
Other names: c.2129G>A (NM_133433.3); c.2129G>A, p.Arg710Gln (NM_015384.5); short protein forms R710Q.
Identifiers: ClinVar variation 2916216 (VCV002916216.12), dbSNP rs983077914, ClinGen allele CA117044145.
Genomic context (GRCh38, chr5:36,985,309, plus strand): 5'-ATGGCAGATCAGAAACAACAAAATCAAGGCCTGAAACCCCAAAGCAAAAGGGTGAAAGCC[G>A]GCCTGAGACTCCAAAACAAAAGAGTGATGGGCATCCTGAAACCCCAAAACAGAAGGGTGA-3'
Protein context (NP_597677.2, residues 700-720): PETPKQKGES[Arg710Gln]PETPKQKSDG